The following is an entry in ClinVar:

ClinVar aggregate classification (germline): Uncertain significance. Review status: criteria provided, multiple submitters, no conflicts (2 of 4 stars). 2 submissions from 2 submitters: Uncertain significance (2). Last evaluated 2025-11-20.

Conditions:
Hereditary sensory and autonomic neuropathy type 6. Also called: Neuropathy, hereditary sensory and autonomic, type VI; HSAN VI. Identifiers: Orphanet 314381, MedGen C3539003, MONDO:0013839, OMIM 614653.
Epidermolysis bullosa simplex 3, localized or generalized intermediate, with BP230 deficiency (EBS3). Also called: Epidermolysis bullosa simplex due to BP230 deficiency; Epidermolysis bullosa simplex, autosomal recessive 2. Identifiers: Orphanet 412181, MedGen C3809470, MONDO:0014180, OMIM 615425.

Allele frequency attached by ClinVar (database versions not stated): TOPMed 0.00002; gnomAD exomes 0.00004; ExAC 0.00006.
gnomAD v4.1: 12 of 1,614,082 alleles (0.00074%); highest among the groups gnomAD compares: Admixed American, 0.018%; no homozygotes.

Submissions (2):

Women's Health and Genetics/Laboratory Corporation of America, LabCorp
Classification: Uncertain significance. Last evaluated: 2025-11-20. Review status: criteria provided, single submitter. Criteria: LabCorp Variant Classification Summary - May 2015. Collection method: clinical testing. Allele origin: germline.
Comment: Variant summary: DST c.5168T>C (p.Leu1723Ser) results in a non-conservative amino acid change in the encoded protein sequence. Algorithms developed to predict the effect of missense changes on protein structure and function are either unavailable or do not agree on the potential impact of this missense change. The variant allele was found at a frequency of 4.4e-05 in 250730 control chromosomes. This frequency is not significantly higher than estimated for disease-causing variants in DST, allowing no conclusion about variant significance. To our knowledge, no occurrence of c.5168T>C in individuals affected with DST-related conditions and no experimental evidence demonstrating its impact on protein function have been reported. ClinVar contains an entry for this variant (Variation ID: 1462265). Based on the evidence outlined above, the variant was classified as uncertain significance.

Labcorp Genetics (formerly Invitae), Labcorp
Classification: Uncertain significance for Epidermolysis bullosa simplex 3, localized or generalized intermediate, with BP230 deficiency; Hereditary sensory and autonomic neuropathy type 6. Last evaluated: 2024-05-07. Review status: criteria provided, single submitter. Criteria: Invitae Variant Classification Sherloc (09022015). Collection method: clinical testing. Allele origin: germline.
Comment: This sequence change replaces leucine, which is neutral and non-polar, with serine, which is neutral and polar, at codon 1723 of the DST protein (p.Leu1723Ser). This variant is present in population databases (rs763177967, gnomAD 0.03%). This variant has not been reported in the literature in individuals affected with DST-related conditions. ClinVar contains an entry for this variant (Variation ID: 1462265). An algorithm developed to predict the effect of missense changes on protein structure and function (PolyPhen-2) suggests that this variant is likely to be disruptive. In summary, the available evidence is currently insufficient to determine the role of this variant in disease. Therefore, it has been classified as a Variant of Uncertain Significance.

NM_001723.7(DST):c.5168T>C (p.Leu1723Ser)

Gene: DST (dystonin; minus strand). Cytogenetic location: 6p12.1.
Variant type: single nucleotide variant.
Coding change: c.5168T>C on transcript NM_001723.7 (MANE Plus Clinical); coding-DNA position 5168, T replaced by C.
Protein change: p.Leu1723Ser; replaces leucine 1723 with serine.
Molecular consequence: missense variant. On other transcripts: intron variant (10).
Genome position (GRCh38, 1-based): chr6:56,618,866, A>G on the plus strand (T>C on the coding strand, the complement: DST is on the minus strand). VCF-style: chr6-56618866-A-G. GRCh37 (hg19) VCF-style: chr6-56483664-A-G.
Other names: c.4831-4382T>C (NM_001144769.5); c.4930-4382T>C (NM_001374722.1, NM_001374736.1); c.4957-4382T>C (NM_001374734.1); c.4417-4382T>C (NM_001144770.2); c.4297-4382T>C (NM_001374730.1, NM_001386100.1, NM_183380.4 and 1 more transcripts); c.3319-4382T>C (NM_015548.5); short protein forms L1723S.
Identifiers: ClinVar variation 1462265 (VCV001462265.7), dbSNP rs763177967, ClinGen allele CA3870404.
Genomic context (GRCh38, chr6:56,618,866, plus strand): 5'-TCTTCCTGAAACAGAACCATCTTTCTGTGGGTCATCTGCTCCTCTATGGTCTTTAAGTGT[A>G]ATTCGTCTTGTACTTTTTTCAACCTGTTATTTAACTCTTGCACCTGAGCTTGTTGTAGCT-3'
Protein context (NP_001714.1, residues 1713-1733): NNRLKKVQDE[Leu1723Ser]HLKTIEEQMT